The following is an entry in ClinVar:

NM_182961.4(SYNE1):c.1166G>A (p.Trp389Ter)

Gene: SYNE1 (spectrin repeat containing nuclear envelope protein 1; minus strand). Cytogenetic location: 6q25.2.
Variant type: single nucleotide variant.
Coding change: c.1166G>A on transcript NM_182961.4 (MANE Select); coding-DNA position 1166, G replaced by A.
Protein change: p.Trp389Ter; replaces tryptophan 389 with a stop codon.
Molecular consequence: nonsense.
Genome position (GRCh38, 1-based): chr6:152,484,854, C>T on the plus strand (G>A on the coding strand, the complement: SYNE1 is on the minus strand). VCF-style: chr6-152484854-C-T. GRCh37 (hg19) VCF-style: chr6-152805989-C-T.
Other names: c.1187G>A, p.Trp396Ter (NM_033071.5); short protein forms W389*, W396*.
Identifiers: ClinVar variation 4995564 (VCV004995564.1).

ClinVar aggregate classification (germline): Likely pathogenic (1 of 4 stars; one submission).

Conditions:
SYNE1-related disorder. Also called: SYNE1-related disorders; SYNE1-related disease; SYNE1-related condition.

Submission:

PreventionGenetics, part of Exact Sciences
Classification: Likely pathogenic for SYNE1-related condition. Last evaluated: 2025-11-20. Review status: criteria provided, single submitter. Criteria: ACMG Guidelines, 2015. Collection method: clinical testing. Allele origin: germline.
Comment: The SYNE1 c.1187G>A variant is predicted to result in premature protein termination (p.Trp396*). To our knowledge, this variant has not been reported in the literature or in a large population database (gnomAD), indicating this variant is rare. Nonsense variants in SYNE1 are expected to be pathogenic. This variant is interpreted as likely pathogenic for autosomal recessive SYNE1-related disorders.